The following is an entry in ClinVar:

ClinVar aggregate classification (germline): Uncertain significance (1 of 4 stars; one submission).

Submission:

Ambry Genetics
Classification: Uncertain significance. Last evaluated: 2025-11-15. Review status: criteria provided, single submitter. Criteria: Ambry Variant Classification Scheme 2023. Collection method: clinical testing. Allele origin: germline.
Comment: The p.P505R variant (also known as c.1514C>G), located in coding exon 2 of the CDK12 gene, results from a C to G substitution at nucleotide position 1514. The proline at codon 505 is replaced by arginine, an amino acid with dissimilar properties. This amino acid position is conserved. In addition, this alteration is predicted to be tolerated by in silico analysis. Based on the available evidence, the clinical significance of this variant remains unclear.

NM_016507.4(CDK12):c.1514C>G (p.Pro505Arg)

Gene: CDK12 (cyclin dependent kinase 12; plus strand). Cytogenetic location: 17q12.
Variant type: single nucleotide variant.
Coding change: c.1514C>G on transcript NM_016507.4 (MANE Select); coding-DNA position 1514, C replaced by G.
Protein change: p.Pro505Arg; replaces proline 505 with arginine.
Molecular consequence: missense variant.
Genome position (GRCh38, 1-based): chr17:39,471,346, C>G. VCF-style: chr17-39471346-C-G. GRCh37 (hg19) VCF-style: chr17-37627599-C-G.
Other names: c.1514C>G, p.Pro505Arg (NM_015083.4); short protein forms P505R.
Identifiers: ClinVar variation 4651444 (VCV004651444.1).